The following is an entry in ClinVar:

NM_014874.4(MFN2):c.665T>G (p.Val222Gly)

Gene: MFN2 (mitofusin 2; plus strand). Cytogenetic location: 1p36.22.
Variant type: single nucleotide variant.
Coding change: c.665T>G on transcript NM_014874.4 (MANE Select); coding-DNA position 665, T replaced by G.
Protein change: p.Val222Gly; replaces valine 222 with glycine.
Molecular consequence: missense variant.
Genome position (GRCh38, 1-based): chr1:11,998,835, T>G. VCF-style: chr1-11998835-T-G. GRCh37 (hg19) VCF-style: chr1-12058892-T-G.
Other names: c.665T>G, p.Val222Gly (NM_001127660.2); short protein forms V222G.
Identifiers: ClinVar variation 4709694 (VCV004709694.1).
Genomic context (GRCh38, chr1:11,998,835, plus strand): 5'-GTATTGATGTCACCACAGAGCTGGACAGCTGGATTGACAAGTTTTGTCTGGATGCTGATG[T>G]GTTTGTGCTGGTGGCCAACTCAGAGTCCACCCTGATGCAGACGGTAACTCCTCCTCTGCC-3'
Protein context (NP_055689.1, residues 212-232): WIDKFCLDAD[Val222Gly]FVLVANSEST

ClinVar aggregate classification (germline): Uncertain significance (1 of 4 stars; one submission).

Conditions:
Charcot-Marie-Tooth disease type 2. Also called: Charcot-Marie-Tooth type 2. Identifiers: Orphanet 64746, MedGen C0270914, MONDO:0018993.

Submission:

Labcorp Genetics (formerly Invitae), Labcorp
Classification: Uncertain significance for Charcot-Marie-Tooth disease type 2. Last evaluated: 2025-03-09. Review status: criteria provided, single submitter. Criteria: Invitae Variant Classification Sherloc (09022015). Collection method: clinical testing. Allele origin: germline.
Comment: This sequence change replaces valine, which is neutral and non-polar, with glycine, which is neutral and non-polar, at codon 222 of the MFN2 protein (p.Val222Gly). This variant is not present in population databases (gnomAD no frequency). This variant has not been reported in the literature in individuals affected with MFN2-related conditions. Invitae Evidence Modeling of protein sequence and biophysical properties (such as structural, functional, and spatial information, amino acid conservation, physicochemical variation, residue mobility, and thermodynamic stability) indicates that this missense variant is expected to disrupt MFN2 protein function with a positive predictive value of 95%. In summary, the available evidence is currently insufficient to determine the role of this variant in disease. Therefore, it has been classified as a Variant of Uncertain Significance.